The following is an entry in ClinVar:

ClinVar aggregate classification (germline): Likely benign (1 of 4 stars; one submission).

Allele frequency attached by ClinVar (database versions not stated): gnomAD 0.00004; gnomAD exomes 0.00006; TOPMed 0.00009; ExAC 0.00012; 1000 Genomes Project 30x 0.00016; ESP Exome Variant Server 0.00017; 1000 Genomes Project 0.00020.
gnomAD v4.1: 91 of 1,614,012 alleles (0.0056%); highest among the groups gnomAD compares: Non-Finnish European, 0.007%; no homozygotes.

Submission:

CeGaT Center for Human Genetics Tuebingen
Classification: Likely benign. Last evaluated: 2024-04-01. Review status: criteria provided, single submitter. Criteria: CeGaT Center For Human Genetics Tuebingen Variant Classification Criteria Version 2. Collection method: clinical testing. Allele origin: germline. Affected: yes. Observed: 1 variant allele.
Comment: DNAH10: BP4, BP7

NM_001372106.1(DNAH10):c.13026C>T (p.Leu4342=)

Genes: DNAH10 (dynein axonemal heavy chain 10; plus strand), DNAH10OS (dynein axonemal heavy chain 10 opposite strand; minus strand). Cytogenetic location: 12q24.31.
Variant type: single nucleotide variant.
Coding change: c.13026C>T on transcript NM_001372106.1 (MANE Select); coding-DNA position 13026, C replaced by T.
Protein change: p.Leu4342=; no amino-acid change (leucine 4342 retained).
Molecular consequence: synonymous variant.
Genome position (GRCh38, 1-based): chr12:123,931,745, C>T. VCF-style: chr12-123931745-C-T. GRCh37 (hg19) VCF-style: chr12-124416292-C-T.
Other names: c.12672C>T, p.Leu4224= (NM_001083900.1, NM_207437.3).
Identifiers: ClinVar variation 3234299 (VCV003234299.20), dbSNP rs377494164, ClinGen allele CA6866098.